The following is an entry in ClinVar:

ClinVar aggregate classification (germline): Uncertain significance. Review status: criteria provided, multiple submitters, no conflicts (2 of 4 stars). 5 submissions from 5 submitters: Uncertain significance (3). 2 of the submissions do not count toward it. Last evaluated 2025-08-22.

Conditions:
Inborn genetic diseases. Identifiers: MedGen C0950123, MeSH D030342.
PEX2-related disorder. Also called: PEX2-related condition.
Zellweger spectrum disorders (ZS). Also called: Zellweger Spectrum Disorder (ZSD); Zellweger Spectrum Disorder; Zellweger Spectrum; Zellweger syndrome. Identifiers: Orphanet 912, MedGen C0043459, MONDO:0019609.
Peroxisome biogenesis disorder 5A (Zellweger) (PBD5A). Identifiers: Orphanet 912, MedGen C3553940, MONDO:0013932, OMIM 614866.

Allele frequency attached by ClinVar (database versions not stated): gnomAD 0.00003 and 0.00004; TOPMed 0.00003; ExAC 0.00004; gnomAD exomes 0.00005 and 0.00006; ESP Exome Variant Server 0.00008.
gnomAD v4.1: 84 of 1,613,186 alleles (0.0052%); highest among the groups gnomAD compares: Non-Finnish European, 0.007%; no homozygotes.

Submissions (5):

Ambry Genetics
Classification: Uncertain significance for Inborn genetic diseases. Last evaluated: 2025-08-22. Review status: criteria provided, single submitter. Criteria: Ambry Variant Classification Scheme 2023. Collection method: clinical testing. Allele origin: germline.

Labcorp Genetics (formerly Invitae), Labcorp
Classification: Uncertain significance for Peroxisome biogenesis disorder 5A (Zellweger). Last evaluated: 2022-08-12. Review status: criteria provided, single submitter. Criteria: Invitae Variant Classification Sherloc (09022015). Collection method: clinical testing. Allele origin: germline.
Comment: This sequence change replaces glycine, which is neutral and non-polar, with arginine, which is basic and polar, at codon 47 of the PEX2 protein (p.Gly47Arg). This variant is present in population databases (rs138590115, gnomAD 0.008%). This variant has not been reported in the literature in individuals affected with PEX2-related conditions. ClinVar contains an entry for this variant (Variation ID: 658133). Algorithms developed to predict the effect of missense changes on protein structure and function are either unavailable or do not agree on the potential impact of this missense change (SIFT: "Tolerated"; PolyPhen-2: "Probably Damaging"; Align-GVGD: "Class C0"). Algorithms developed to predict the effect of sequence changes on RNA splicing suggest that this variant may create or strengthen a splice site. In summary, the available evidence is currently insufficient to determine the role of this variant in disease. Therefore, it has been classified as a Variant of Uncertain Significance.

Illumina Laboratory Services, Illumina
Classification: Uncertain significance for Peroxisome biogenesis disorder 5A (Zellweger). Last evaluated: 2018-01-13. Review status: criteria provided, single submitter. Criteria: ICSL Variant Classification Criteria 13 December 2019. Collection method: clinical testing. Allele origin: germline.

PreventionGenetics, part of Exact Sciences
Classification: Uncertain significance for PEX2-related condition. Last evaluated: 2024-05-15. Review status: no assertion criteria provided. Collection method: clinical testing. Allele origin: germline. Not counted in ClinVar's aggregate classification.
Comment: The PEX2 c.139G>A variant is predicted to result in the amino acid substitution p.Gly47Arg. To our knowledge, this variant has not been reported in the literature. This variant is reported in 0.0088% of alleles in individuals of European (Non-Finnish) descent in gnomAD. At this time, the clinical significance of this variant is uncertain due to the absence of conclusive functional and genetic evidence.

Natera, Inc.
Classification: Uncertain significance for Zellweger syndrome. Last evaluated: 2020-09-16. Review status: no assertion criteria provided. Collection method: clinical testing. Allele origin: germline. Not counted in ClinVar's aggregate classification.

NM_000318.3(PEX2):c.139G>A (p.Gly47Arg)

Gene: PEX2 (peroxisomal biogenesis factor 2; minus strand). Cytogenetic location: 8q21.13.
Variant type: single nucleotide variant.
Coding change: c.139G>A on transcript NM_000318.3 (MANE Select); coding-DNA position 139, G replaced by A.
Protein change: p.Gly47Arg; replaces glycine 47 with arginine.
Molecular consequence: missense variant.
Genome position (GRCh38, 1-based): chr8:76,984,040, C>T on the plus strand (G>A on the coding strand, the complement: PEX2 is on the minus strand). VCF-style: chr8-76984040-C-T. GRCh37 (hg19) VCF-style: chr8-77896276-C-T.
Other names: c.139G>A, p.Gly47Arg (NM_001079867.2, NM_001172086.2, NM_001172087.2); short protein forms G47R.
Identifiers: ClinVar variation 658133 (VCV000658133.9), dbSNP rs138590115, ClinGen allele CA4788766.